The following is an entry in ClinVar:

ClinVar aggregate classification (germline): Uncertain significance (1 of 4 stars; one submission).

Conditions:
Inborn genetic diseases. Identifiers: MedGen C0950123, MeSH D030342.

Allele frequency attached by ClinVar (database versions not stated): gnomAD exomes below 0.00001; ExAC 0.00001.
gnomAD v4.1: 4 of 1,549,698 alleles (0.00026%); highest among the groups gnomAD compares: Non-Finnish European, 0.00027%; no homozygotes.

Submission:

Ambry Genetics
Classification: Uncertain significance for Inborn genetic diseases. Last evaluated: 2021-07-28. Review status: criteria provided, single submitter. Criteria: Ambry Variant Classification Scheme 2023. Collection method: clinical testing. Allele origin: germline.
Comment: The p.L946P variant (also known as c.2837T>C), located in coding exon 22 of the LRRK2 gene, results from a T to C substitution at nucleotide position 2837. The leucine at codon 946 is replaced by proline, an amino acid with similar properties. This amino acid position is conserved. In addition, the in silico prediction for this alteration is inconclusive. Since supporting evidence is limited at this time, the clinical significance of this alteration remains unclear.

NM_198578.4(LRRK2):c.2837T>C (p.Leu946Pro)

Gene: LRRK2 (leucine rich repeat kinase 2; plus strand). Cytogenetic location: 12q12.
Variant type: single nucleotide variant.
Coding change: c.2837T>C on transcript NM_198578.4 (MANE Select); coding-DNA position 2837, T replaced by C.
Protein change: p.Leu946Pro; replaces leucine 946 with proline.
Molecular consequence: missense variant.
Genome position (GRCh38, 1-based): chr12:40,294,873, T>C. VCF-style: chr12-40294873-T-C. GRCh37 (hg19) VCF-style: chr12-40688675-T-C.
Other names: short protein forms L946P.
Identifiers: ClinVar variation 1796660 (VCV001796660.2), dbSNP rs760187413, ClinGen allele CA6513752.